The following is an entry in ClinVar:

NM_005547.4(IVL):c.648A>T (p.Pro216=)

Gene: IVL (involucrin; plus strand). Cytogenetic location: 1q21.3.
Variant type: single nucleotide variant.
Coding change: c.648A>T on transcript NM_005547.4 (MANE Select); coding-DNA position 648, A replaced by T.
Protein change: p.Pro216=; no amino-acid change (proline 216 retained).
Molecular consequence: synonymous variant.
Genome position (GRCh38, 1-based): chr1:152,910,445, A>T. VCF-style: chr1-152910445-A-T. GRCh37 (hg19) VCF-style: chr1-152882921-A-T.
Identifiers: ClinVar variation 4535477 (VCV004535477.6).

ClinVar aggregate classification (germline): Likely benign (1 of 4 stars; one submission).

Submission:

CeGaT Center for Human Genetics Tuebingen
Classification: Likely benign. Last evaluated: 2026-05-01. Review status: criteria provided, single submitter. Criteria: CeGaT Center For Human Genetics Tuebingen Variant Classification Criteria Version 2. Collection method: clinical testing. Allele origin: germline. Affected: yes. Observed: 2 variant alleles.
Comment: IVL: BP4, BP7